The following is an entry in ClinVar:

NM_005857.5(ZMPSTE24):c.*521A>G

Gene: ZMPSTE24 (zinc metallopeptidase STE24; plus strand). Cytogenetic location: 1p34.2.
Variant type: single nucleotide variant.
Coding change: c.*521A>G on transcript NM_005857.5 (MANE Select); 521 bases downstream of the stop codon, A replaced by G.
Molecular consequence: 3 prime UTR variant.
Genome position (GRCh38, 1-based): chr1:40,293,190, A>G. VCF-style: chr1-40293190-A-G. GRCh37 (hg19) VCF-style: chr1-40758862-A-G.
Identifiers: ClinVar variation 297270 (VCV000297270.5), dbSNP rs75622994, ClinGen allele CA10610169.

ClinVar aggregate classification (germline): Benign. Review status: criteria provided, single submitter (1 of 4 stars). 2 submissions from 1 submitter: Benign (2). Last evaluated 2018-01-13.

Conditions:
Lethal tight skin contracture syndrome. Also called: Restrictive dermopathy; RESTRICTIVE DERMOPATHY, LETHAL; FETAL HYPOKINESIA SEQUENCE DUE TO RESTRICTIVE DERMOPATHY; HYPERKERATOSIS-CONTRACTURE SYNDROME. Identifiers: Orphanet 1662, MedGen C0406585, MONDO:0031213.
Mandibuloacral dysplasia with type B lipodystrophy (MADB). Also called: LIPODYSTROPHY, TYPE B, ASSOCIATED WITH MANDIBULOACRAL DYSPLASIA. Identifiers: Orphanet 2457, Orphanet 90154, MedGen C1837756, MONDO:0012074, OMIM 608612.

Allele frequency attached by ClinVar (database versions not stated): gnomAD 0.00291 and 0.00309; TOPMed 0.00327; 1000 Genomes Project 30x 0.00515; 1000 Genomes Project 0.00539.

Submissions (2):

Illumina Laboratory Services, Illumina
Classification: Benign for Restrictive dermopathy 1. Last evaluated: 2018-01-13. Review status: criteria provided, single submitter. Criteria: ICSL Variant Classification Criteria 13 December 2019. Collection method: clinical testing. Allele origin: germline.
Comment: This variant was observed in the ICSL laboratory as part of a predisposition screen in an ostensibly healthy population. It had not been previously curated by ICSL or reported in the Human Gene Mutation Database (HGMD: prior to June 1st, 2018), and was therefore a candidate for classification through an automated scoring system. Utilizing variant allele frequency, disease prevalence and penetrance estimates, and inheritance mode, an automated score was calculated to assess if this variant is too frequent to cause the disease. Based on the score and internal cut-off values, a variant classified as benign is not then subjected to further curation. The score for this variant resulted in a classification of benign for this disease.

Illumina Laboratory Services, Illumina
Classification: Benign for Mandibuloacral dysplasia with type B lipodystrophy. Last evaluated: 2018-01-13. Review status: criteria provided, single submitter. Criteria: ICSL Variant Classification Criteria 13 December 2019. Collection method: clinical testing. Allele origin: germline.
Comment: the same text as in the submission from Illumina Laboratory Services, Illumina above.